The following is an entry in ClinVar:

NM_000138.5(FBN1):c.4128G>T (p.Gln1376His)

Gene: FBN1 (fibrillin 1; minus strand). Cytogenetic location: 15q21.1.
Variant type: single nucleotide variant.
Coding change: c.4128G>T on transcript NM_000138.5 (MANE Select); coding-DNA position 4128, G replaced by T.
Protein change: p.Gln1376His; replaces glutamine 1376 with histidine.
Molecular consequence: missense variant.
Genome position (GRCh38, 1-based): chr15:48,474,337, C>A on the plus strand (G>T on the coding strand, the complement: FBN1 is on the minus strand). VCF-style: chr15-48474337-C-A. GRCh37 (hg19) VCF-style: chr15-48766534-C-A.
Other names: short protein forms Q1376H.
Identifiers: ClinVar variation 920777 (VCV000920777.4), dbSNP rs1180794278, ClinGen allele CA392320292.

ClinVar aggregate classification (germline): Uncertain significance (1 of 4 stars; one submission).

Conditions:
Familial thoracic aortic aneurysm and aortic dissection (TAAD). Also called: Thoracic aortic aneurysms and dissections. Identifiers: Orphanet 91387, MedGen C4707243, MONDO:0019625.

Allele frequency attached by ClinVar (database versions not stated): gnomAD exomes below 0.00001.
gnomAD v4.1: 1 of 1,614,118 alleles (0.000062%); highest among the groups gnomAD compares: East Asian, 0.0022%; no homozygotes.

Submission:

Color Diagnostics, LLC DBA Color Health
Classification: Uncertain significance for Familial thoracic aortic aneurysm and aortic dissection. Last evaluated: 2024-03-06. Review status: criteria provided, single submitter. Criteria: ACMG Guidelines, 2015. Collection method: clinical testing. Allele origin: germline.
Comment: This missense variant replaces glutamine with histidine at codon 1376 of the FBN1 protein. Computational prediction tool suggests that this variant may not impact protein structure and function (internally defined REVEL score threshold <=0.5, PMID: 27666373). Splice site prediction tools suggest that this variant may not impact RNA splicing. To our knowledge, functional studies have not been performed for this variant. This variant has not been reported in individuals affected with cardiovascular disorders in the literature. This variant has been identified in 1/251306 chromosomes in the general population by the Genome Aggregation Database (gnomAD). The available evidence is insufficient to determine the role of this variant in disease conclusively. Therefore, this variant is classified as a Variant of Uncertain Significance.